The following is an entry in ClinVar:

ClinVar aggregate classification (germline): Uncertain significance. Review status: criteria provided, multiple submitters, no conflicts (2 of 4 stars). 2 submissions from 2 submitters: Uncertain significance (2). Last evaluated 2022-04-28.

Conditions:
DICER1-related tumor predisposition. Also called: DICER1-related pleuropulmonary blastoma cancer predisposition syndrome; DICER1 syndrome. Identifiers: Orphanet 284343, MedGen C3839822, MONDO:0100216.
Hereditary cancer-predisposing syndrome. Also called: Neoplastic Syndromes, Hereditary; Hereditary Cancer Syndrome; Hereditary neoplastic syndrome; Tumor predisposition. Identifiers: Orphanet 140162, MedGen C0027672, MeSH D009386, MONDO:0015356.

Allele frequency attached by ClinVar (database versions not stated): gnomAD exomes below 0.00001.
gnomAD v4.1: 2 of 1,614,104 alleles (0.00012%); highest among the groups gnomAD compares: Non-Finnish European, 0.00017%; no homozygotes.

Submissions (2):

Ambry Genetics
Classification: Uncertain significance for Hereditary cancer-predisposing syndrome. Last evaluated: 2022-04-28. Review status: criteria provided, single submitter. Criteria: Ambry Variant Classification Scheme 2023. Collection method: clinical testing. Allele origin: germline.
Comment: The p.K1718R variant (also known as c.5153A>G), located in coding exon 23 of the DICER1 gene, results from an A to G substitution at nucleotide position 5153. The lysine at codon 1718 is replaced by arginine, an amino acid with highly similar properties. This amino acid position is highly conserved in available vertebrate species. In addition, the in silico prediction for this alteration is inconclusive. Since supporting evidence is limited at this time, the clinical significance of this alteration remains unclear.

Labcorp Genetics (formerly Invitae), Labcorp
Classification: Uncertain significance for DICER1-related tumor predisposition. Last evaluated: 2020-12-17. Review status: criteria provided, single submitter. Criteria: Invitae Variant Classification Sherloc (09022015). Collection method: clinical testing. Allele origin: germline.
Comment: This sequence change replaces lysine with arginine at codon 1718 of the DICER1 protein (p.Lys1718Arg). The lysine residue is highly conserved and there is a small physicochemical difference between lysine and arginine. This variant is not present in population databases (ExAC no frequency). This variant has not been reported in the literature in individuals with DICER1-related conditions. Algorithms developed to predict the effect of missense changes on protein structure and function are either unavailable or do not agree on the potential impact of this missense change (SIFT: "Tolerated"; PolyPhen-2: "Possibly Damaging"; Align-GVGD: "Class C0"). Algorithms developed to predict the effect of sequence changes on RNA splicing suggest that this variant may create or strengthen a splice site, but this prediction has not been confirmed by published transcriptional studies. In summary, the available evidence is currently insufficient to determine the role of this variant in disease. Therefore, it has been classified as a Variant of Uncertain Significance.

NM_177438.3(DICER1):c.5153A>G (p.Lys1718Arg)

Gene: DICER1 (dicer 1, ribonuclease III; minus strand). Cytogenetic location: 14q32.13.
Variant type: single nucleotide variant.
Coding change: c.5153A>G on transcript NM_177438.3 (MANE Select); coding-DNA position 5153, A replaced by G.
Protein change: p.Lys1718Arg; replaces lysine 1718 with arginine.
Molecular consequence: missense variant.
Genome position (GRCh38, 1-based): chr14:95,094,099, T>C on the plus strand (A>G on the coding strand, the complement: DICER1 is on the minus strand). VCF-style: chr14-95094099-T-C. GRCh37 (hg19) VCF-style: chr14-95560436-T-C.
Other names: c.5153A>G, p.Lys1718Arg (NM_001195573.1, NM_001271282.3, NM_001291628.2 and 1 more transcripts); short protein forms K1718R.
Identifiers: ClinVar variation 825485 (VCV000825485.15), dbSNP rs1488309058, ClinGen allele CA390865329.
Genomic context (GRCh38, chr14:95,094,099, plus strand): 5'-GCAGACCGCAGGTCTGTCAGGACCCCCGGGGAGTGCTGCCGCGGGTCTTCATAAAGGTGC[T>C]TGGTTATGAGGTAGTCCAAAATCGCATCTCCCAGGAATTCTAAGCGCTGGTAACAATCTG-3'
Protein context (NP_803187.1, residues 1708-1728): GDAILDYLIT[Lys1718Arg]HLYEDPRQHS